The following is an entry in ClinVar:

NM_001142800.2(EYS):c.1711_1712inv (p.Gln571Ter)

Gene: EYS (EGF-like photoreceptor maintenance factor; minus strand). Cytogenetic location: 6q12.
Variant type: Inversion.
Coding change: c.1711_1712inv on transcript NM_001142800.2 (MANE Select).
Protein change: p.Gln571Ter; replaces glutamine 571 with a stop codon.
Molecular consequence: nonsense.
Genome position: GRCh38 VCF-style: chr6-65335034-TG-CA. GRCh37 (hg19) VCF-style: chr6-66044927-TG-CA.
Other names: c.1711_1712inv, p.Gln571Ter (NM_001142801.2, NM_001292009.2, NM_198283.2); short protein forms Q571*.
Identifiers: ClinVar variation 2804484 (VCV002804484.3), ClinGen allele CA2739273184.

ClinVar aggregate classification (germline): Pathogenic (1 of 4 stars; one submission).

Submission:

Labcorp Genetics (formerly Invitae), Labcorp
Classification: Pathogenic. Last evaluated: 2024-03-02. Review status: criteria provided, single submitter. Criteria: Invitae Variant Classification Sherloc (09022015). Collection method: clinical testing. Allele origin: germline.
Comment: This sequence change creates a premature translational stop signal (p.Gln571*) in the EYS gene. It is expected to result in an absent or disrupted protein product. Loss-of-function variants in EYS are known to be pathogenic (PMID: 18836446, 20333770). Information on the frequency of this variant in the gnomAD database is not available, as this variant may be reported differently in the database. This variant has not been reported in the literature in individuals affected with EYS-related conditions. For these reasons, this variant has been classified as Pathogenic.

Literature cited by the submitters: PubMed 18836446; PubMed 20333770.